The following is an entry in ClinVar:

NM_000081.4(LYST):c.3713-2A>C

Gene: LYST (lysosomal trafficking regulator; minus strand). Cytogenetic location: 1q42.3.
Variant type: single nucleotide variant.
Coding change: c.3713-2A>C on transcript NM_000081.4 (MANE Select); the canonical splice acceptor site of the intron before coding-DNA position 3713, A replaced by C.
Molecular consequence: splice acceptor variant.
Genome position (GRCh38, 1-based): chr1:235,801,099, T>G on the plus strand (A>C on the coding strand, the complement: LYST is on the minus strand). VCF-style: chr1-235801099-T-G. GRCh37 (hg19) VCF-style: chr1-235964399-T-G.
Other names: c.3713-2A>C (NM_001301365.1).
Identifiers: ClinVar variation 2746363 (VCV002746363.3), dbSNP rs2527017466, ClinGen allele CA344944881.

ClinVar aggregate classification (germline): Likely pathogenic (1 of 4 stars; one submission).

Conditions:
Chédiak-Higashi syndrome (CHS). Also called: Chediak-Higashi Syndrome. Identifiers: Orphanet 167, MedGen C0007965, MONDO:0008963, OMIM 214500.

Submission:

Labcorp Genetics (formerly Invitae), Labcorp
Classification: Likely pathogenic for Chédiak-Higashi syndrome. Last evaluated: 2023-10-04. Review status: criteria provided, single submitter. Criteria: Invitae Variant Classification Sherloc (09022015). Collection method: clinical testing. Allele origin: germline.
Comment: This sequence change affects an acceptor splice site in intron 8 of the LYST gene. It is expected to disrupt RNA splicing. Variants that disrupt the donor or acceptor splice site typically lead to a loss of protein function (PMID: 16199547), and loss-of-function variants in LYST are known to be pathogenic (PMID: 9215679, 11857544). This variant is not present in population databases (gnomAD no frequency). This variant has not been reported in the literature in individuals affected with LYST-related conditions. Algorithms developed to predict the effect of sequence changes on RNA splicing suggest that this variant may disrupt the consensus splice site. In summary, the currently available evidence indicates that the variant is pathogenic, but additional data are needed to prove that conclusively. Therefore, this variant has been classified as Likely Pathogenic.

Literature cited by the submitters: PubMed 16199547; PubMed 9215679; PubMed 11857544.